The following is an entry in ClinVar:

ClinVar aggregate classification (germline): Benign/Likely benign. Review status: criteria provided, multiple submitters, no conflicts (2 of 4 stars). 6 submissions from 6 submitters: Benign (1); Likely benign (5). Last evaluated 2026-06-28.

Conditions:
Hereditary nonpolyposis colorectal neoplasms. Identifiers: MedGen C0009405, MeSH D003123.
Lynch syndrome 5 (LYNCH5). Also called: Hereditary non-polyposis colorectal cancer, type 5; Colorectal cancer, hereditary nonpolyposis, type 5. Identifiers: Orphanet 144, MedGen C1833477, MONDO:0013710, OMIM 614350. Disease mechanism: loss of function.
Hereditary cancer-predisposing syndrome. Also called: Tumor predisposition; Hereditary neoplastic syndrome; Neoplastic Syndromes, Hereditary; Hereditary Cancer Syndrome. Identifiers: Orphanet 140162, MedGen C0027672, MeSH D009386, MONDO:0015356.

Allele frequency attached by ClinVar (database versions not stated): gnomAD exomes below 0.00001 and 0.00002; ExAC 0.00002.
gnomAD v4.1: 8 of 1,613,724 alleles (0.0005%); highest among the groups gnomAD compares: South Asian, 0.0077%; no homozygotes.

Submissions (6):

Women's Health and Genetics/Laboratory Corporation of America, LabCorp
Classification: Likely benign. Last evaluated: 2026-06-28. Review status: criteria provided, single submitter. Criteria: LabCorp Variant Classification Summary - May 2015. Collection method: clinical testing. Allele origin: germline.

Center for Genomic Medicine, Rigshospitalet, Copenhagen University Hospital
Classification: Likely benign. Last evaluated: 2025-12-29. Review status: criteria provided, single submitter. Criteria: ACMG Guidelines, 2015. Collection method: clinical testing. Allele origin: germline.

Myriad Genetics, Inc.
Classification: Benign for Lynch syndrome 5. Last evaluated: 2024-12-20. Review status: criteria provided, single submitter. Criteria: Myriad Autosomal Dominant, Autosomal Recessive and X-Linked Classification Criteria (2023). Collection method: clinical testing. Allele origin: unknown.
Comment: This variant is considered benign. This variant is a silent/synonymous amino acid change and it is not expected to impact splicing.

Labcorp Genetics (formerly Invitae), Labcorp
Classification: Likely benign for Hereditary nonpolyposis colorectal neoplasms. Last evaluated: 2023-12-12. Review status: criteria provided, single submitter. Criteria: Invitae Variant Classification Sherloc (09022015). Collection method: clinical testing. Allele origin: germline.

Ambry Genetics
Classification: Likely benign for Hereditary cancer-predisposing syndrome. Last evaluated: 2021-01-07. Review status: criteria provided, single submitter. Criteria: Ambry Variant Classification Scheme 2023. Collection method: clinical testing. Allele origin: germline.

Color Diagnostics, LLC DBA Color Health
Classification: Likely benign for Hereditary cancer-predisposing syndrome. Last evaluated: 2019-12-17. Review status: criteria provided, single submitter. Criteria: ACMG Guidelines, 2015. Collection method: clinical testing. Allele origin: germline.

NM_000179.3(MSH6):c.861T>C (p.Ser287=)

Gene: MSH6 (mutS homolog 6; plus strand). Cytogenetic location: 2p16.3.
Variant type: single nucleotide variant.
Coding change: c.861T>C on transcript NM_000179.3 (MANE Select); coding-DNA position 861, T replaced by C.
Protein change: p.Ser287=; no amino-acid change (serine 287 retained).
Molecular consequence: synonymous variant. On other transcripts: 5 prime UTR variant (2).
Genome position (GRCh38, 1-based): chr2:47,798,844, T>C. VCF-style: chr2-47798844-T-C. GRCh37 (hg19) VCF-style: chr2-48025983-T-C.
Other names: c.471T>C, p.Ser157= (NM_001281492.2); c.-46T>C (NM_001281493.2, NM_001281494.2).
Identifiers: ClinVar variation 763522 (VCV000763522.16), dbSNP rs754307139, ClinGen allele CA073517.
Genomic context (GRCh38, chr2:47,798,844, plus strand): 5'-AGACACTAAGGAGGAAGGAAGCAGTGATGAAATAAGCAGTGGAGTGGGGGATAGTGAGAG[T>C]GAAGGCCTGAACAGCCCTGTCAAAGTTGCTCGAAAGCGGAAGAGAATGGTGACTGGAAAT-3'
Protein context (NP_000170.1, residues 277-297): EISSGVGDSE[Ser287=]EGLNSPVKVA